The following is an entry in ClinVar:

NM_000264.5(PTCH1):c.3040C>T (p.Pro1014Ser)

Gene: PTCH1 (patched 1; minus strand). Cytogenetic location: 9q22.32.
Variant type: single nucleotide variant.
Coding change: c.3040C>T on transcript NM_000264.5 (MANE Select); coding-DNA position 3040, C replaced by T.
Protein change: p.Pro1014Ser; replaces proline 1014 with serine.
Molecular consequence: missense variant. On other transcripts: non-coding transcript variant (1).
Genome position (GRCh38, 1-based): chr9:95,458,141, G>A on the plus strand (C>T on the coding strand, the complement: PTCH1 is on the minus strand). VCF-style: chr9-95458141-G-A. GRCh37 (hg19) VCF-style: chr9-98220423-G-A.
Other names: c.2842C>T, p.Pro948Ser (NM_001083602.3); c.3037C>T, p.Pro1013Ser (NM_001083603.3); c.2587C>T, p.Pro863Ser (NM_001083604.3, NM_001083605.3, NM_001083606.3 and 1 more transcripts); c.2884C>T, p.Pro962Ser (NM_001354918.2); short protein forms P948S, P962S, P1013S, P863S, P1014S.
Identifiers: ClinVar variation 1441264 (VCV001441264.11), dbSNP rs1588540255, ClinGen allele CA374112521.
Genomic context (GRCh38, chr9:95,458,141, plus strand): 5'-CGCTGATGAACAGCAGCAGCCAGTGGCGGAGGCCGATGTACTGCTCCCAGAAGAGGAAGG[G>A]GTAGCCGTTGGGGTAACTGGACAGCCCCAGGCTCGTATAGTTGCTGCAGATGGTCCTTAC-3'
Protein context (NP_000255.2, residues 1004-1024): LGLSSYPNGY[Pro1014Ser]FLFWEQYIGL

ClinVar aggregate classification (germline): Uncertain significance. Review status: criteria provided, multiple submitters, no conflicts (2 of 4 stars). 2 submissions from 2 submitters: Uncertain significance (2). Last evaluated 2025-08-14.

Conditions:
Hereditary cancer-predisposing syndrome. Also called: Neoplastic Syndromes, Hereditary; Hereditary Cancer Syndrome; Tumor predisposition; Hereditary neoplastic syndrome. Identifiers: Orphanet 140162, MedGen C0027672, MeSH D009386, MONDO:0015356.
Gorlin syndrome. Also called: Basal cell nevus syndrome; Nevoid Basal Cell Carcinoma Syndrome. Identifiers: Orphanet 377, MedGen C0004779, MONDO:0007187.

Submissions (2):

Ambry Genetics
Classification: Uncertain significance for Hereditary cancer-predisposing syndrome. Last evaluated: 2025-08-14. Review status: criteria provided, single submitter. Criteria: Ambry Variant Classification Scheme 2023. Collection method: clinical testing. Allele origin: germline.
Comment: The p.P1014S variant (also known as c.3040C>T), located in coding exon 18 of the PTCH1 gene, results from a C to T substitution at nucleotide position 3040. The proline at codon 1014 is replaced by serine, an amino acid with similar properties. This amino acid position is highly conserved in available vertebrate species. In addition, this alteration is predicted to be deleterious by in silico analysis. Based on the available evidence, the clinical significance of this variant remains unclear.

Labcorp Genetics (formerly Invitae), Labcorp
Classification: Uncertain significance for Gorlin syndrome. Last evaluated: 2020-12-03. Review status: criteria provided, single submitter. Criteria: Invitae Variant Classification Sherloc (09022015). Collection method: clinical testing. Allele origin: germline.
Comment: In summary, the available evidence is currently insufficient to determine the role of this variant in disease. Therefore, it has been classified as a Variant of Uncertain Significance. Advanced modeling of protein sequence and biophysical properties (such as structural, functional, and spatial information, amino acid conservation, physicochemical variation, residue mobility, and thermodynamic stability) performed at Invitae indicates that this missense variant is expected to disrupt PTCH1 protein function. This variant has not been reported in the literature in individuals with PTCH1-related conditions. This variant is not present in population databases (ExAC no frequency). This sequence change replaces proline with serine at codon 1014 of the PTCH1 protein (p.Pro1014Ser). The proline residue is moderately conserved and there is a moderate physicochemical difference between proline and serine.